The following is an entry in ClinVar:

ClinVar aggregate classification (germline): Uncertain significance (1 of 4 stars; one submission).

Submission:

Ambry Genetics
Classification: Uncertain significance. Last evaluated: 2022-09-21. Review status: criteria provided, single submitter. Criteria: Ambry Variant Classification Scheme 2023. Collection method: clinical testing. Allele origin: germline.
Comment: The p.S869P variant (also known as c.2605T>C), located in coding exon 1 of the MLH3 gene, results from a T to C substitution at nucleotide position 2605. The serine at codon 869 is replaced by proline, an amino acid with similar properties. This amino acid position is conserved. In addition, this alteration is predicted to be tolerated by in silico analysis. Since supporting evidence is limited at this time, the clinical significance of this alteration remains unclear.

NM_001040108.2(MLH3):c.2605T>C (p.Ser869Pro)

Gene: MLH3 (mutL homolog 3; minus strand). Cytogenetic location: 14q24.3.
Variant type: single nucleotide variant.
Coding change: c.2605T>C on transcript NM_001040108.2 (MANE Select); coding-DNA position 2605, T replaced by C.
Protein change: p.Ser869Pro; replaces serine 869 with proline.
Molecular consequence: missense variant.
Genome position (GRCh38, 1-based): chr14:75,047,051, A>G on the plus strand (T>C on the coding strand, the complement: MLH3 is on the minus strand). VCF-style: chr14-75047051-A-G. GRCh37 (hg19) VCF-style: chr14-75513754-A-G.
Other names: c.2605T>C, p.Ser869Pro (NM_014381.3); short protein forms S869P.
Identifiers: ClinVar variation 1793723 (VCV001793723.2), dbSNP rs2503265889, ClinGen allele CA390439574.